The following is an entry in ClinVar:

NM_001267550.2(TTN):c.80716C>T (p.Arg26906Ter)

Genes: TTN-AS1 (TTN antisense RNA 1; plus strand), TTN (titin; minus strand). Cytogenetic location: 2q31.2.
Variant type: single nucleotide variant.
Coding change: c.80716C>T on transcript NM_001267550.2 (MANE Select); coding-DNA position 80716, C replaced by T.
Protein change: p.Arg26906Ter; replaces arginine 26906 with a stop codon.
Molecular consequence: nonsense.
Genome position (GRCh38, 1-based): chr2:178,565,416, G>A on the plus strand (C>T on the coding strand, the complement: TTN is on the minus strand). VCF-style: chr2-178565416-G-A. GRCh37 (hg19) VCF-style: chr2-179430143-G-A.
Other names: c.53521C>T, p.Arg17841Ter (NM_003319.4); c.53896C>T, p.Arg17966Ter (NM_133432.3); c.54097C>T, p.Arg18033Ter (NM_133437.4); c.75793C>T, p.Arg25265Ter (NM_001256850.1); c.73012C>T, p.Arg24338Ter (NM_133378.4); c.80716C>T (NM_001267550.1); short protein forms R24338*, R26906*, R25265*, R17841*, R18033*, R17966*.
Identifiers: ClinVar variation 180010 (VCV000180010.35), dbSNP rs727505284, ClinGen allele CA273669.

ClinVar aggregate classification (germline): Pathogenic. Review status: criteria provided, multiple submitters, no conflicts (2 of 4 stars). 10 submissions from 10 submitters: Pathogenic (10). Last evaluated 2026-07-02.

Conditions:
Cardiovascular phenotype. Identifiers: MedGen CN230736.
TTN-related disorder. Also called: TTN-related disorders; TTN-related condition; TTN-related disease.
Autosomal recessive limb-girdle muscular dystrophy type 2J (LGMDR10). Also called: Limb-girdle muscular dystrophy, type 2J; MUSCULAR DYSTROPHY, LIMB-GIRDLE, AUTOSOMAL RECESSIVE 10. Identifiers: Orphanet 140922, MedGen C1837342, MONDO:0012127, OMIM 608807.
Dilated cardiomyopathy 1G (CMD1G). Identifiers: Orphanet 154, MedGen C1858763, MONDO:0011400, OMIM 604145.
Primary dilated cardiomyopathy (DCM). Also called: Dilated Cardiomyopathy. Identifiers: Orphanet 217604, MedGen C0007193, MeSH D002311, MONDO:0005021, HP:0001644. Inheritance: Various modes of inheritance.

Allele frequency attached by ClinVar (database versions not stated): gnomAD exomes below 0.00001 and 0.00001; ExAC 0.00001; gnomAD 0.00001; TOPMed 0.00001.
gnomAD v4.1: 8 of 1,613,266 alleles (0.0005%); highest among the groups gnomAD compares: South Asian, 0.0022%; no homozygotes.

Submissions (10):

PreventionGenetics, part of Exact Sciences
Classification: Pathogenic for TTN-related condition. Last evaluated: 2026-07-02. Review status: criteria provided, single submitter. Criteria: ACMG Guidelines, 2015. Collection method: clinical testing. Allele origin: germline.
Comment: The TTN c.80716C>T variant is predicted to result in premature protein termination (p.Arg26906*). This variant has been reported in individuals with dilated cardiomyopathy (described as p.Arg18033* in Table S6, Haas et al. 2014. PubMed ID: 25163546; described as p.Arg17841*, Cuenca et al. 2016. PubMed ID: 26899768). This variant is reported in 0.0065% of alleles in individuals of South Asian descent in gnomAD. This variant is located in the A-band region of the protein in which truncating TTN variants have been found more frequently in dilated cardiomyopathy patients than in controls (Herman et al. 2012. PubMed ID: 22335739). RNAseq studies from heart tissue indicate this exon is commonly included in TTN mRNA transcripts (PSI of 100%, Roberts et al. 2015. PubMed ID: 25589632). TTN loss-of-function variants occurring in constitutively expressed exons (PSI > 90%) are more likely to be disease causing for TTN cardiac-related disorders regardless of band location (Roberts et al. 2015. PubMed ID: 25589632; Schafer et al. 2017. PubMed ID: 27869827; Akhtar et al. 2020. PubMed ID: 32964742). Many cases of recessive TTN-related myopathies in which the individual is compound heterozygous for two loss-of-function variants in TTN have also been reported (Oates et al. 2018. PubMed ID: 29691892; Ge et al. 2019. PubMed ID: 31053406; Rees et al. 2021. PubMed ID: 33449170). In summary, this variant is categorized as pathogenic. Of note, this variant is considered pathogenic for increased risk of TTN-related cardiac disorders, and also for autosomal recessive TTN-related congenital titinopathies.

Labcorp Genetics (formerly Invitae), Labcorp
Classification: Pathogenic for Dilated cardiomyopathy 1G; Autosomal recessive limb-girdle muscular dystrophy type 2J. Last evaluated: 2025-12-20. Review status: criteria provided, single submitter. Criteria: Invitae Variant Classification Sherloc (09022015). Collection method: clinical testing. Allele origin: germline.
Comment: This sequence change creates a premature translational stop signal (p.Arg26906*) in the TTN gene. While this is not anticipated to result in nonsense mediated decay, it is expected to create a truncated TTN protein. This variant is present in population databases (rs727505284, gnomAD 0.007%). This premature translational stop signal has been observed in individuals with dilated cardiomyopathy (PMID: 25163546, 26899768; internal data). It has also been observed to segregate with disease in related individuals. This variant is also known as c.C54097T (p.R18033X) and c.53521C>T (p.Arg17841*). ClinVar contains an entry for this variant (Variation ID: 180010). This variant is located in the A band of TTN (PMID: 25589632). Truncating variants in this region are significantly overrepresented in patients affected with dilated cardiomyopathy (PMID: 25589632). Truncating variants in this region have also been reported in individuals affected with autosomal recessive centronuclear myopathy (PMID: 23975875). For these reasons, this variant has been classified as Pathogenic.

Institute of Immunology and Genetics Kaiserslautern
Classification: Pathogenic for Dilated cardiomyopathy 1G. Last evaluated: 2025-11-14. Review status: criteria provided, single submitter. Criteria: ACMG Guidelines, 2015. Collection method: clinical testing. Allele origin: germline. Affected: yes.
Comment: ACMG Criteria: PVS1, PM2, PP1, PP5; Variant was found in heterozygous state.

Ambry Genetics
Classification: Pathogenic for Cardiovascular phenotype. Last evaluated: 2024-10-15. Review status: criteria provided, single submitter. Criteria: Ambry Variant Classification Scheme 2023. Collection method: clinical testing. Allele origin: germline.
Comment: The p.R17841* pathogenic mutation (also known as c.53521C>T), located in coding exon 153 of the TTN gene, results from a C to T substitution at nucleotide position 53521. This changes the amino acid from an arginine to a stop codon within coding exon 153. This exon is located in the A-band region of the N2-B isoform of the titin protein and is constitutively expressed in TTN transcripts (percent spliced in or PSI 100%). This variant (also referred to as NM_133437 p.R18033X) was identified in one or more individuals with features consistent with dilated cardiomyopathy and segregated with disease in at least one family (Haas J et al. Eur Heart J, 2015 May;36:1123-35a; Cuenca S et al. J Heart Lung Transplant, 2016 05;35:625-35). This alteration is expected to result in loss of function by premature protein truncation or nonsense-mediated mRNA decay. While truncating variants in TTN are present in 1-3% of the general population, truncating variants in the A-band are the most common cause of dilated cardiomyopathy (DCM) (Herman DS et al. N. Engl. J. Med., 2012 Feb;366:619-28; Roberts AM et al. Sci Transl Med, 2015 Jan;7:270ra6). TTN truncating variants encoded in constitutive exons (PSI >90%) have been found to be significantly associated with DCM regardless of their position in titin (Schafer S et al. Nat. Genet., 2017 01;49:46-53). Based on the supporting evidence, this alteration is interpreted as a disease-causing mutation.

Clinical Genomics Laboratory, Stanford Medicine
Classification: Pathogenic for Dilated cardiomyopathy 1G. Last evaluated: 2023-08-16. Review status: criteria provided, single submitter. Criteria: ACMG Guidelines, 2015. Collection method: clinical testing. Allele origin: germline. Inheritance: Autosomal dominant inheritance. Observed: 1 variant allele, 1 heterozygote.
Comment: The p.Arg26906* variant in the TTN gene has been previously reported in several individuals with dilated cardiomyopathy (PMID: 25163546; PMID: 32371228; PMID: 32826072; PMID: 36252119; PMID: 34935411) and segregated with disease in 5 affected individuals from 1 family (PMID: 26899768). This variant has been identified in 2/30,574 South Asian chromosomes (2/248,508 chromosomes overall) by the Genome Aggregation Database. This variant is present in ClinVar (Accession: VCV000180010.29). The p.Arg26906* variant leads to a premature stop codon in exon 326 of 363 exons, which may cause loss of normal protein function through either protein truncation or nonsense-mediated decay. This variant is located in the A-band of the titin protein. Loss-of-function variants in the A-band have an established association with dilated cardiomyopathy (PMID: 32160020). These data were assessed using the ACMG/AMP variant interpretation guidelines. In summary, there is sufficient evidence to classify the p.Arg26906* variant as pathogenic for autosomal dominant dilated cardiomyopathy based on the information above. [ACMG evidence codes used: PVS1_Strong; PM2; PS4_Moderate; PP1_Moderate]

Mayo Clinic Laboratories, Mayo Clinic
Classification: Pathogenic. Last evaluated: 2023-05-23. Review status: criteria provided, single submitter. Criteria: ACMG Guidelines, 2015. Collection method: clinical testing. Allele origin: germline. Observed: 2 variant alleles.
Comment: PP1_strong, PVS1

GeneDx
Classification: Pathogenic. Last evaluated: 2021-12-22. Review status: criteria provided, single submitter. Criteria: GeneDx Variant Classification Process June 2021. Collection method: clinical testing. Allele origin: germline. Affected: yes.
Comment: Reported in at least two unrelated individuals in association with DCM (Haas et al., 2015; Cuenca et al., 2016); Not observed at significant frequency in large population cohorts (gnomAD); Reported in ClinVar as pathogenic (ClinVar Variant ID 180010; ClinVar); Located in the A-band region of titin, where the majority of truncating pathogenic variants associated with DCM have been reported (Herman et al., 2012).; This variant is associated with the following publications: (PMID: 26899768, 25163546, 22335739)

Blueprint Genetics
Classification: Pathogenic for TTN-related disorders. Last evaluated: 2021-06-15. Review status: criteria provided, single submitter. Criteria: ACMG Guidelines, 2015. Collection method: clinical testing. Allele origin: germline. Affected: yes. Observed: 2 variant alleles.

Laboratory for Molecular Medicine, Mass General Brigham Personalized Medicine
Classification: Pathogenic for Primary dilated cardiomyopathy. Last evaluated: 2017-06-02. Review status: criteria provided, single submitter. Criteria: LMM Criteria. Collection method: clinical testing. Allele origin: germline. Inheritance: Autosomal dominant inheritance. Observed: 5 variant alleles.
Comment: The p.Arg24338X variant in TTN has been identified in at least 3 individuals wit h DCM and segregated with disease in 5 affected relatives (Haas 2015, Cuenca 201 6, LMM data). It has been identified in 2/30756 South Asian chromosomes by the G enome Aggregation Database (gnomAD). This varian t is present in ClinVar (Variation ID: 180010). This nonsense variant leads to a premature termination codon at position 24338, which is predicted to lead to a truncated or absent protein. Nonsense and other truncating variants in TTN are s trongly associated with DCM if they are located in the exons encoding for the A- band (Herman 2012, Pugh 2014) and/or are located in an exon that is highly expre ssed in the heart (Roberts 2015). The p.Arg24338X variant is located in A-band i n the highly expressed exon 275. In summary, this variant meets criteria to be c lassified as pathogenic for DCM in an autosomal dominant manner.

Juno Genomics, Hangzhou Juno Genomics, Inc
Classification: Pathogenic for Dilated cardiomyopathy 1G. Review status: criteria provided, single submitter. Criteria: ACMG Guidelines, 2015. Collection method: clinical testing. Allele origin: germline.
Comment: Absent from controls (or at extremely low frequency if recessive) in Genome Aggregation Database.;Null variant in a gene where loss of function (LOF) is a known mechanism of disease.;The prevalence of the variant in affected individuals is significantly increased compared to the prevalence in controls.;Patient's phenotype or family history is highly specific for a disease with a single genetic etiology.

Literature cited by the submitters: PubMed 25163546 (cited by 5 submitters); PubMed 26899768 (cited by 5 submitters); PubMed 25589632 (cited by Labcorp Genetics (formerly Invitae), Labcorp); PubMed 23975875 (cited by Labcorp Genetics (formerly Invitae), Labcorp); PubMed 32371228 (cited by Clinical Genomics Laboratory, Stanford Medicine and Mayo Clinic Laboratories, Mayo Clinic); PubMed 32826072 (cited by Clinical Genomics Laboratory, Stanford Medicine); PubMed 36252119 (cited by Clinical Genomics Laboratory, Stanford Medicine); PubMed 34935411 (cited by Clinical Genomics Laboratory, Stanford Medicine and Mayo Clinic Laboratories, Mayo Clinic); PubMed 32160020 (cited by Clinical Genomics Laboratory, Stanford Medicine).